The following is an entry in ClinVar:

ClinVar aggregate classification (germline): Benign/Likely benign. Review status: criteria provided, multiple submitters, no conflicts (2 of 4 stars). 4 submissions from 4 submitters: Benign (1); Likely benign (3). Last evaluated 2025-08-21.

Conditions:
Familial cancer of breast. Also called: BREAST CANCER, FAMILIAL; hereditary breast carcinoma; Hereditary breast cancer. Identifiers: Orphanet 227535, MedGen C0346153, MONDO:0016419, OMIM 114480. Disease mechanism: loss of function.
Hereditary cancer-predisposing syndrome. Also called: Neoplastic Syndromes, Hereditary; Hereditary Cancer Syndrome; Hereditary neoplastic syndrome; Tumor predisposition. Identifiers: Orphanet 140162, MedGen C0027672, MeSH D009386, MONDO:0015356.

Allele frequency attached by ClinVar (database versions not stated): gnomAD exomes below 0.00001 and 0.00001; TOPMed below 0.00001; ExAC 0.00001; gnomAD 0.00001.

Submissions (4):

Labcorp Genetics (formerly Invitae), Labcorp
Classification: Likely benign for Familial cancer of breast. Last evaluated: 2025-08-21. Review status: criteria provided, single submitter. Criteria: Invitae Variant Classification Sherloc (09022015). Collection method: clinical testing. Allele origin: germline.

Myriad Genetics, Inc.
Classification: Benign for Familial cancer of breast. Last evaluated: 2024-07-23. Review status: criteria provided, single submitter. Criteria: Myriad Autosomal Dominant, Autosomal Recessive and X-Linked Classification Criteria (2023). Collection method: clinical testing. Allele origin: unknown.
Comment: This variant is considered benign. This variant is a silent/synonymous amino acid change and it is not expected to impact splicing.

Color Diagnostics, LLC DBA Color Health
Classification: Likely benign for Hereditary cancer-predisposing syndrome. Last evaluated: 2017-06-06. Review status: criteria provided, single submitter. Criteria: ACMG Guidelines, 2015. Collection method: clinical testing. Allele origin: germline.

Ambry Genetics
Classification: Likely benign for Hereditary cancer-predisposing syndrome. Last evaluated: 2016-02-15. Review status: criteria provided, single submitter. Criteria: Ambry Variant Classification Scheme 2023. Collection method: clinical testing. Allele origin: germline.

NM_000465.4(BARD1):c.781C>T (p.Leu261=)

Gene: BARD1 (BRCA1 associated RING domain 1; minus strand). Cytogenetic location: 2q35.
Variant type: single nucleotide variant.
Coding change: c.781C>T on transcript NM_000465.4 (MANE Select); coding-DNA position 781, C replaced by T.
Protein change: p.Leu261=; no amino-acid change (leucine 261 retained).
Molecular consequence: synonymous variant. On other transcripts: non-coding transcript variant (2), intron variant (3).
Genome position (GRCh38, 1-based): chr2:214,781,093, G>A on the plus strand (C>T on the coding strand, the complement: BARD1 is on the minus strand). VCF-style: chr2-214781093-G-A. GRCh37 (hg19) VCF-style: chr2-215645817-G-A.
Other names: c.724C>T, p.Leu242= (NM_001282543.2); c.158+28319C>T (NM_001282548.2); c.215+15968C>T (NM_001282545.2); c.364+11204C>T (NM_001282549.2).
Identifiers: ClinVar variation 479133 (VCV000479133.20), dbSNP rs767806228, ClinGen allele CA2090380.